The following is an entry in ClinVar:

NM_006648.4(WNK2):c.1912G>T (p.Gly638Cys)

Gene: WNK2 (WNK lysine deficient protein kinase 2; plus strand). Cytogenetic location: 9q22.31.
Variant type: single nucleotide variant.
Coding change: c.1912G>T on transcript NM_006648.4 (MANE Select); coding-DNA position 1912, G replaced by T.
Protein change: p.Gly638Cys; replaces glycine 638 with cysteine.
Molecular consequence: missense variant.
Genome position (GRCh38, 1-based): chr9:93,252,960, G>T. VCF-style: chr9-93252960-G-T. GRCh37 (hg19) VCF-style: chr9-96015242-G-T.
Other names: c.1912G>T, p.Gly638Cys (NM_001282394.3); short protein forms G638C.
Identifiers: ClinVar variation 5031828 (VCV005031828.1).
Genomic context (GRCh38, chr9:93,252,960, plus strand): 5'-AGCGGCCAGGGCTCTACCGTGTACTCAGACTCGCAGAGCAGCCAGCAGAGCGTGATGCTT[G>T]GCTCCCTTGCCGACGCAGCGCCGTCCCCGGCCCAGTGTGTGTGCAGCCCCCCTGTGAGCG-3'
Protein context (NP_006639.3, residues 628-648): SQSSQQSVML[Gly638Cys]SLADAAPSPA

ClinVar aggregate classification (germline): Uncertain significance (1 of 4 stars; one submission).

Submission:

Ambry Genetics
Classification: Uncertain significance. Last evaluated: 2026-07-05. Review status: criteria provided, single submitter. Criteria: Ambry Variant Classification Scheme 2023. Collection method: clinical testing. Allele origin: germline.
Comment: The p.G638C variant (also known as c.1912G>T), located in coding exon 8 of the WNK2 gene, results from a G to T substitution at nucleotide position 1912. The glycine at codon 638 is replaced by cysteine, an amino acid with highly dissimilar properties. This amino acid position is conserved. In addition, this alteration is predicted to be tolerated by in silico analysis. Based on the available evidence, the clinical significance of this variant remains unclear.